The following is an entry in ClinVar:

NM_005670.4(EPM2A):c.449C>T (p.Ala150Val)

Gene: EPM2A (EPM2A glucan phosphatase, laforin; minus strand). Cytogenetic location: 6q24.3.
Variant type: single nucleotide variant.
Coding change: c.449C>T on transcript NM_005670.4 (MANE Select); coding-DNA position 449, C replaced by T.
Protein change: p.Ala150Val; replaces alanine 150 with valine.
Molecular consequence: missense variant. On other transcripts: 5 prime UTR variant (2), non-coding transcript variant (1).
Genome position (GRCh38, 1-based): chr6:145,686,149, G>A on the plus strand (C>T on the coding strand, the complement: EPM2A is on the minus strand). VCF-style: chr6-145686149-G-A. GRCh37 (hg19) VCF-style: chr6-146007285-G-A.
Other names: c.449C>T, p.Ala150Val (NM_001018041.2, NM_001360057.2, NM_001368130.1); c.35C>T, p.Ala12Val (NM_001360064.2, NM_001360071.2, NM_001368131.1); c.-175C>T (NM_001368129.2, NM_001368132.1); short protein forms A150V, A12V.
Identifiers: ClinVar variation 940118 (VCV000940118.7), dbSNP rs753781421, ClinGen allele CA4035170.

ClinVar aggregate classification (germline): Uncertain significance. Review status: criteria provided, multiple submitters, no conflicts (2 of 4 stars). 2 submissions from 2 submitters: Uncertain significance (2). Last evaluated 2026-01-10.

Conditions:
Progressive myoclonic epilepsy. Also called: Familial progressive myoclonic epilepsy; Myoclonus epilepsy; Progressive myoclonus epilepsy; Myoclonic Epilepsies, Progressive. Identifiers: Orphanet 308, Orphanet 98261, MedGen C0751778, MONDO:0020074.

Allele frequency attached by ClinVar (database versions not stated): gnomAD exomes below 0.00001 and 0.00001; ExAC 0.00001; gnomAD 0.00001; TOPMed 0.00003.
gnomAD v4.1: 3 of 1,613,710 alleles (0.00019%); highest among the groups gnomAD compares: Admixed American, 0.0017%; no homozygotes.

Submissions (2):

GeneDx
Classification: Uncertain significance. Last evaluated: 2026-01-10. Review status: criteria provided, single submitter. Criteria: GeneDx Variant Classification Process June 2021. Collection method: clinical testing. Allele origin: germline.
Comment: Not observed at significant frequency in large population cohorts (gnomAD); In silico analysis suggests that this missense variant does not alter protein structure/function; Has not been previously published as pathogenic or benign to our knowledge

Labcorp Genetics (formerly Invitae), Labcorp
Classification: Uncertain significance for Progressive myoclonic epilepsy. Last evaluated: 2022-07-18. Review status: criteria provided, single submitter. Criteria: Invitae Variant Classification Sherloc (09022015). Collection method: clinical testing. Allele origin: germline.
Comment: This sequence change replaces alanine, which is neutral and non-polar, with valine, which is neutral and non-polar, at codon 150 of the EPM2A protein (p.Ala150Val). This variant is present in population databases (rs753781421, gnomAD 0.007%). This variant has not been reported in the literature in individuals affected with EPM2A-related conditions. ClinVar contains an entry for this variant (Variation ID: 940118). Algorithms developed to predict the effect of missense changes on protein structure and function are either unavailable or do not agree on the potential impact of this missense change (SIFT: "Deleterious"; PolyPhen-2: "Benign"; Align-GVGD: "Class C0"). Algorithms developed to predict the effect of sequence changes on RNA splicing suggest that this variant may create or strengthen a splice site. In summary, the available evidence is currently insufficient to determine the role of this variant in disease. Therefore, it has been classified as a Variant of Uncertain Significance.